The following is an entry in ClinVar:

ClinVar aggregate classification (germline): Pathogenic. Review status: reviewed by expert panel (3 of 4 stars). 3 submissions from 3 submitters: Pathogenic (1). 2 of the submissions do not count toward it. Last evaluated 2016-10-18.

Conditions:
Hereditary breast ovarian cancer syndrome. Also called: Hereditary breast and ovarian cancer syndrome; Hereditary breast and ovarian cancer; Hereditary breast and ovarian cancer syndrome (HBOC); Breast and ovarian cancer; Hereditary breast and/or ovarian cancer syndrome; BRCA1- and BRCA2-Associated Hereditary Breast and Ovarian Cancer. Identifiers: Orphanet 145, MedGen C0677776, MeSH D061325, MONDO:0003582. Disease mechanism: loss of function.
Breast-ovarian cancer, familial, susceptibility to, 2 (BROVCA2). Also called: BRCA2 Hereditary Breast and Ovarian Cancer. Identifiers: Orphanet 145, MedGen C2675520, MONDO:0012933, OMIM 612555. Disease mechanism: loss of function.

Submissions (3):

Evidence-based Network for the Interpretation of Germline Mutant Alleles (ENIGMA)
Classification: Pathogenic for Breast-ovarian cancer, familial, susceptibility to, 2. Last evaluated: 2016-10-18. Review status: reviewed by expert panel. Criteria: ENIGMA BRCA1/2 Classification Criteria (2015). Collection method: curation. Allele origin: germline.
Comment: Variant allele predicted to encode a truncated non-functional protein.

Labcorp Genetics (formerly Invitae), Labcorp
Classification: Pathogenic for Hereditary breast ovarian cancer syndrome. Last evaluated: 2022-06-25. Review status: criteria provided, single submitter. Criteria: Invitae Variant Classification Sherloc (09022015). Collection method: clinical testing. Allele origin: germline. Not counted in ClinVar's aggregate classification.
Comment: This variant is not present in population databases (gnomAD no frequency). For these reasons, this variant has been classified as Pathogenic. Algorithms developed to predict the effect of sequence changes on RNA splicing suggest that this variant may disrupt the consensus splice site. ClinVar contains an entry for this variant (Variation ID: 52391). This variant is also known as 7935delT. This premature translational stop signal has been observed in individual(s) with breast and/or ovarian cancer (PMID: 18819001, 30613976). This sequence change creates a premature translational stop signal (p.Lys2570Argfs*78) in the BRCA2 gene. It is expected to result in an absent or disrupted protein product. Loss-of-function variants in BRCA2 are known to be pathogenic (PMID: 20104584).

Consortium of Investigators of Modifiers of BRCA1/2 (CIMBA), c/o University of Cambridge
Classification: Pathogenic for Breast-ovarian cancer, familial, susceptibility to, 2. Last evaluated: 2015-10-02. Review status: criteria provided, single submitter. Criteria: CIMBA Mutation Classification guidelines May 2016. Collection method: clinical testing. Allele origin: germline. Not counted in ClinVar's aggregate classification.

Literature cited by the submitters: PubMed 18819001 (cited by Labcorp Genetics (formerly Invitae), Labcorp); PubMed 30613976 (cited by Labcorp Genetics (formerly Invitae), Labcorp); PubMed 20104584 (cited by Labcorp Genetics (formerly Invitae), Labcorp).

NM_000059.4(BRCA2):c.7707del (p.Lys2570fs)

Gene: BRCA2 (BRCA2 DNA repair associated; plus strand). Cytogenetic location: 13q13.1.
Variant type: Deletion.
Coding change: c.7707del on transcript NM_000059.4 (MANE Select); coding-DNA position 7707, one base deleted (T; older notation c.7707delT).
Protein change: p.Lys2570fs; shifts the reading frame from lysine 2570.
Molecular consequence: frameshift variant.
Genome position (GRCh38, 1-based): chr13:32,357,831, T deleted. VCF-style (leftmost placement, unchanged base first): chr13-32357830-GT-G. GRCh37 (hg19) VCF-style: chr13-32931967-GT-G.
Other names: 7935delT; c.7707delT (NM_000059.3).
Identifiers: ClinVar variation 52391 (VCV000052391.10), dbSNP rs397507935, ClinGen allele CA025239.